The following is an entry in ClinVar:

NM_014704.4(CEP104):c.1702C>T (p.Pro568Ser)

Genes: CEP104 (centrosomal protein 104; minus strand), LOC126805587 (BRD4-independent group 4 enhancer GRCh37_chr1:3747165-3748364; plus strand). Cytogenetic location: 1p36.32.
Variant type: single nucleotide variant.
Coding change: c.1702C>T on transcript NM_014704.4 (MANE Select); coding-DNA position 1702, C replaced by T.
Protein change: p.Pro568Ser; replaces proline 568 with serine.
Molecular consequence: missense variant.
Genome position (GRCh38, 1-based): chr1:3,831,180, G>A on the plus strand (C>T on the coding strand, the complement: CEP104 is on the minus strand). VCF-style: chr1-3831180-G-A. GRCh37 (hg19) VCF-style: chr1-3747744-G-A.
Other names: short protein forms P568S.
Identifiers: ClinVar variation 3703205 (VCV003703205.1).

ClinVar aggregate classification (germline): Uncertain significance (1 of 4 stars; one submission).

Conditions:
Joubert syndrome 25 (JBTS25). Identifiers: Orphanet 475, MedGen C4084842, MONDO:0014770, OMIM 616781.

gnomAD v4.1: 27 of 1,614,056 alleles (0.0017%); highest among the groups gnomAD compares: Non-Finnish European, 0.0023%; no homozygotes.

Submission:

Labcorp Genetics (formerly Invitae), Labcorp
Classification: Uncertain significance for Joubert syndrome 25. Last evaluated: 2024-04-10. Review status: criteria provided, single submitter. Criteria: Invitae Variant Classification Sherloc (09022015). Collection method: clinical testing. Allele origin: germline.
Comment: This sequence change replaces proline, which is neutral and non-polar, with serine, which is neutral and polar, at codon 568 of the CEP104 protein (p.Pro568Ser). This variant is not present in population databases (gnomAD no frequency). This variant has not been reported in the literature in individuals affected with CEP104-related conditions. An algorithm developed to predict the effect of missense changes on protein structure and function (PolyPhen-2) suggests that this variant is likely to be disruptive. In summary, the available evidence is currently insufficient to determine the role of this variant in disease. Therefore, it has been classified as a Variant of Uncertain Significance.